The following is an entry in ClinVar:

NM_016148.5(SHANK1):c.5743A>G (p.Arg1915Gly)

Gene: SHANK1 (SH3 and multiple ankyrin repeat domains 1; minus strand). Cytogenetic location: 19q13.33.
Variant type: single nucleotide variant.
Coding change: c.5743A>G on transcript NM_016148.5 (MANE Select); coding-DNA position 5743, A replaced by G.
Protein change: p.Arg1915Gly; replaces arginine 1915 with glycine.
Molecular consequence: missense variant.
Genome position (GRCh38, 1-based): chr19:50,666,217, T>C on the plus strand (A>G on the coding strand, the complement: SHANK1 is on the minus strand). VCF-style: chr19-50666217-T-C. GRCh37 (hg19) VCF-style: chr19-51169474-T-C.
Other names: short protein forms R1915G.
Identifiers: ClinVar variation 4975938 (VCV004975938.1).

ClinVar aggregate classification (germline): Uncertain significance (1 of 4 stars; one submission).

Submission:

GeneDx
Classification: Uncertain significance. Last evaluated: 2026-01-30. Review status: criteria provided, single submitter. Criteria: GeneDx Variant Classification Process June 2021. Collection method: clinical testing. Allele origin: germline.
Comment: Not observed at significant frequency in large population cohorts (gnomAD); In silico analysis suggests that this missense variant does not alter protein structure/function; Has not been previously published as pathogenic or benign to our knowledge